The following is an entry in ClinVar:

ClinVar aggregate classification (germline): Uncertain significance (1 of 4 stars; one submission).

Conditions:
Hereditary cancer-predisposing syndrome. Also called: Hereditary Cancer Syndrome; Hereditary neoplastic syndrome; Neoplastic Syndromes, Hereditary; Tumor predisposition. Identifiers: Orphanet 140162, MedGen C0027672, MeSH D009386, MONDO:0015356.

Submission:

Ambry Genetics
Classification: Uncertain significance for Hereditary cancer-predisposing syndrome. Last evaluated: 2022-08-11. Review status: criteria provided, single submitter. Criteria: Ambry Variant Classification Scheme 2023. Collection method: clinical testing. Allele origin: germline.
Comment: The c.1323+3A>G intronic variant results from an A to G substitution 3 nucleotides after coding exon 13 in the MUTYH gene. This nucleotide position is not well conserved in available vertebrate species. In silico splice site analysis predicts that this alteration will not have any significant effect on splicing. Since supporting evidence is limited at this time, the clinical significance of this alteration remains unclear.

NM_001048174.2(MUTYH):c.1239+3A>G

Gene: MUTYH (mutY DNA glycosylase; minus strand). Cytogenetic location: 1p34.1.
Variant type: single nucleotide variant.
Coding change: c.1239+3A>G on transcript NM_001048174.2 (MANE Select); 3 bases into the intron after coding-DNA position 1239, A replaced by G.
Molecular consequence: intron variant.
Genome position (GRCh38, 1-based): chr1:45,331,417, T>C on the plus strand (A>G on the coding strand, the complement: MUTYH is on the minus strand). VCF-style: chr1-45331417-T-C. GRCh37 (hg19) VCF-style: chr1-45797089-T-C.
Other names: c.894+3A>G (NM_001350651.2, NM_001350650.2); c.963+3A>G (NM_001293192.2, NM_001293196.2); c.1239+3A>G (NM_001048171.2, NM_001048173.2, NM_001293195.2); c.1284+3A>G (NM_001293190.2); c.1314+3A>G (NM_012222.3); c.1323+3A>G (NM_001128425.2); c.1242+3A>G (NM_001048172.2); c.1272+3A>G (NM_001293191.2).
Identifiers: ClinVar variation 1769940 (VCV001769940.2), dbSNP rs1553125444, ClinGen allele CA2580063000.